The following is an entry in ClinVar:

ClinVar aggregate classification (germline): Uncertain significance. Review status: criteria provided, multiple submitters, no conflicts (2 of 4 stars). 4 submissions from 4 submitters: Uncertain significance (4). Last evaluated 2025-09-24.

Conditions:
Inborn genetic diseases. Identifiers: MedGen C0950123, MeSH D030342.
Dyskeratosis congenita. Identifiers: Orphanet 1775, MedGen C0265965, MONDO:0015780.
Cerebroretinal microangiopathy with calcifications and cysts 1 (CRMCC1). Identifiers: Orphanet 313838, MedGen C4552029, MONDO:0024564, OMIM 612199.

Allele frequency attached by ClinVar (database versions not stated): gnomAD 0.00001 and 0.00002; ExAC 0.00002; gnomAD exomes 0.00002; TOPMed 0.00002; 1000 Genomes Project 30x 0.00016.

Submissions (4):

Labcorp Genetics (formerly Invitae), Labcorp
Classification: Uncertain significance for Dyskeratosis congenita. Last evaluated: 2025-09-24. Review status: criteria provided, single submitter. Criteria: Invitae Variant Classification Sherloc (09022015). Collection method: clinical testing. Allele origin: germline.
Comment: This sequence change replaces proline, which is neutral and non-polar, with serine, which is neutral and polar, at codon 200 of the CTC1 protein (p.Pro200Ser). This variant is present in population databases (rs772395506, gnomAD 0.03%). This variant has not been reported in the literature in individuals affected with CTC1-related conditions. ClinVar contains an entry for this variant (Variation ID: 439562). Invitae Evidence Modeling of protein sequence and biophysical properties (such as structural, functional, and spatial information, amino acid conservation, physicochemical variation, residue mobility, and thermodynamic stability) indicates that this missense variant is not expected to disrupt CTC1 protein function with a negative predictive value of 80%. In summary, the available evidence is currently insufficient to determine the role of this variant in disease. Therefore, it has been classified as a Variant of Uncertain Significance.

Ambry Genetics
Classification: Uncertain significance for Inborn genetic diseases. Last evaluated: 2024-03-15. Review status: criteria provided, single submitter. Criteria: Ambry Variant Classification Scheme 2023. Collection method: clinical testing. Allele origin: germline.

Genome-Nilou Lab
Classification: Uncertain significance for Cerebroretinal microangiopathy with calcifications and cysts 1. Last evaluated: 2021-07-15. Review status: criteria provided, single submitter. Criteria: ACMG Guidelines, 2015. Collection method: clinical testing. Allele origin: germline. Affected: no.

ARUP Laboratories, Molecular Genetics and Genomics, ARUP Laboratories
Classification: Uncertain significance. Last evaluated: 2017-04-10. Review status: criteria provided, single submitter. Criteria: ARUP Molecular Germline Variant Investigation Process. Collection method: clinical testing. Allele origin: germline.

NM_025099.6(CTC1):c.598C>T (p.Pro200Ser)

Gene: CTC1 (CST telomere replication complex component 1; minus strand). Cytogenetic location: 17p13.1.
Variant type: single nucleotide variant.
Coding change: c.598C>T on transcript NM_025099.6 (MANE Select); coding-DNA position 598, C replaced by T.
Protein change: p.Pro200Ser; replaces proline 200 with serine.
Molecular consequence: missense variant. On other transcripts: non-coding transcript variant (1).
Genome position (GRCh38, 1-based): chr17:8,238,080, G>A on the plus strand (C>T on the coding strand, the complement: CTC1 is on the minus strand). VCF-style: chr17-8238080-G-A. GRCh37 (hg19) VCF-style: chr17-8141398-G-A.
Other names: c.598C>T (NM_025099.5); short protein forms P200S.
Identifiers: ClinVar variation 439562 (VCV000439562.18), dbSNP rs772395506, ClinGen allele CA8372601.